The following is an entry in ClinVar:

ClinVar aggregate classification (germline): Uncertain significance (1 of 4 stars; one submission).

Submission:

GeneDx
Classification: Uncertain significance. Last evaluated: 2016-11-29. Review status: criteria provided, single submitter. Criteria: GeneDx Variant Classification (06012015). Collection method: clinical testing. Allele origin: germline. Affected: yes.
Comment: The E498G variant in the MYBPC1 gene has not been reported previously as a pathogenic variant, nor as a benign variant, to our knowledge. The E498G variant was not observed in approximately 6500 individuals of European and African American ancestry in the NHLBI Exome Sequencing Project, indicating it is not a common benign variant in these populations. The E498G variant is a non-conservative amino acid substitution, which is likely to impact secondary protein structure as these residues differ in polarity, charge, size and/or other properties. This substitution occurs at a position that is conserved in mammals. In silico analysis predicts this variant is probably damaging to the protein structure/function. We interpret E498G as a variant of uncertain significance.

NM_002465.4(MYBPC1):c.1493A>G (p.Glu498Gly)

Gene: MYBPC1 (myosin binding protein C1; plus strand). Cytogenetic location: 12q23.2.
Variant type: single nucleotide variant.
Coding change: c.1493A>G on transcript NM_002465.4 (MANE Select); coding-DNA position 1493, A replaced by G.
Protein change: p.Glu498Gly; replaces glutamic acid 498 with glycine.
Molecular consequence: missense variant.
Genome position (GRCh38, 1-based): chr12:101,651,360, A>G. VCF-style: chr12-101651360-A-G. GRCh37 (hg19) VCF-style: chr12-102045138-A-G.
Other names: c.1418A>G, p.Glu473Gly (NM_001254718.3, NM_001254719.3, NM_206820.4 and 1 more transcripts); c.1382A>G, p.Glu461Gly (NM_001254720.3); c.1361A>G, p.Glu454Gly (NM_001254721.3, NM_001404676.1, NM_001404678.1); c.1340A>G, p.Glu447Gly (NM_001254722.3, NM_001404680.1); c.1379A>G, p.Glu460Gly (NM_001254723.3); c.1493A>G, p.Glu498Gly (NM_001404675.1, NM_206819.4); c.1283A>G, p.Glu428Gly (NM_001404677.1, NM_001404679.1, NM_001404681.1); short protein forms E498G, E454G, E461G, E447G, E460G, E473G, E428G.
Identifiers: ClinVar variation 373399 (VCV000373399.3), dbSNP rs1057518395, ClinGen allele CA16042866.